The following is an entry in ClinVar:

ClinVar aggregate classification (germline): Uncertain significance (1 of 4 stars; one submission).

gnomAD v4.1: 55 of 1,613,382 alleles (0.0034%); highest among the groups gnomAD compares: African/African-American, 0.037%; no homozygotes.

Submission:

Women's Health and Genetics/Laboratory Corporation of America, LabCorp
Classification: Uncertain significance. Last evaluated: 2026-02-16. Review status: criteria provided, single submitter. Criteria: LabCorp Variant Classification Summary - May 2015. Collection method: clinical testing. Allele origin: germline.
Comment: Variant summary: XPC c.506C>T (p.Thr169Met) results in a non-conservative amino acid change in the encoded protein sequence. Algorithms developed to predict the effect of missense changes on protein structure and function are either unavailable or do not agree on the potential impact of this missense change. The variant allele was found at a frequency of 4.8e-05 in 248398 control chromosomes. This frequency is not significantly higher than estimated for disease-causing variants in XPC, allowing no conclusion about variant significance. To our knowledge, no occurrence of c.506C>T in individuals affected with XPC-related conditions and no experimental evidence demonstrating its impact on protein function have been reported. No submitters have cited clinical-significance assessments for this variant to ClinVar. Based on the evidence outlined above, the variant was classified as uncertain significance.

NM_004628.5(XPC):c.506C>T (p.Thr169Met)

Gene: XPC (XPC complex subunit, DNA damage recognition and repair factor; minus strand). Cytogenetic location: 3p25.1.
Variant type: single nucleotide variant.
Coding change: c.506C>T on transcript NM_004628.5 (MANE Select); coding-DNA position 506, C replaced by T.
Protein change: p.Thr169Met; replaces threonine 169 with methionine.
Molecular consequence: missense variant. On other transcripts: non-coding transcript variant (1), intron variant (1).
Genome position (GRCh38, 1-based): chr3:14,168,287, G>A on the plus strand (C>T on the coding strand, the complement: XPC is on the minus strand). VCF-style: chr3-14168287-G-A. GRCh37 (hg19) VCF-style: chr3-14209787-G-A.
Other names: c.506C>T, p.Thr169Met (NM_001354727.2, NM_001354730.2); c.488C>T, p.Thr163Met (NM_001354729.2); c.-43-1034C>T (NM_001354726.2); short protein forms T163M, T169M.
Identifiers: ClinVar variation 4847787 (VCV004847787.1).